The following is an entry in ClinVar:

ClinVar aggregate classification (germline): Uncertain significance (1 of 4 stars; one submission).

Conditions:
Neuroblastoma, susceptibility to, 3. Also called: ALK-Related Neuroblastic Tumor Susceptibility. Identifiers: Orphanet 635, MedGen C2751681, MONDO:0013083, OMIM 613014.

Submission:

Labcorp Genetics (formerly Invitae), Labcorp
Classification: Uncertain significance for Neuroblastoma, susceptibility to, 3. Last evaluated: 2021-12-30. Review status: criteria provided, single submitter. Criteria: Invitae Variant Classification Sherloc (09022015). Collection method: clinical testing. Allele origin: germline.
Comment: In summary, the available evidence is currently insufficient to determine the role of this variant in disease. Therefore, it has been classified as a Variant of Uncertain Significance. Algorithms developed to predict the effect of sequence changes on RNA splicing suggest that this variant may disrupt the consensus splice site. This variant has not been reported in the literature in individuals affected with ALK-related conditions. This variant is not present in population databases (gnomAD no frequency). This sequence change falls in intron 19 of the ALK gene. It does not directly change the encoded amino acid sequence of the ALK protein.

NM_004304.5(ALK):c.3173-7C>G

Gene: ALK (ALK receptor tyrosine kinase; minus strand). Cytogenetic location: 2p23.2.
Variant type: single nucleotide variant.
Coding change: c.3173-7C>G on transcript NM_004304.5 (MANE Select); 7 bases into the intron before coding-DNA position 3173, C replaced by G.
Molecular consequence: intron variant. On other transcripts: 5 prime UTR variant (1).
Genome position (GRCh38, 1-based): chr2:29,223,535, G>C on the plus strand (C>G on the coding strand, the complement: ALK is on the minus strand). VCF-style: chr2-29223535-G-C. GRCh37 (hg19) VCF-style: chr2-29446401-G-C.
Other names: c.-39C>G (NM_001353765.2).
Identifiers: ClinVar variation 2066291 (VCV002066291.4), dbSNP rs1669868225, ClinGen allele CA2580066351.
Genomic context (GRCh38, chr2:29,223,535, plus strand): 5'-GGCTCTGCAGCTCCATCTGCATGGCTTGCAGCTCCTGGTGCTTCCGGCGGTACACTGCAG[G>C]TGGGTGGTCAGCTGCAACATGGCCTGGCAGCCTGGCCCTTGAAGCACTACACAGGCCACT-3'